The following is an entry in ClinVar:

NM_001384732.1(CPLANE1):c.959T>C (p.Ile320Thr)

Gene: CPLANE1 (ciliogenesis and planar polarity effector complex subunit 1; minus strand). Cytogenetic location: 5p13.2.
Variant type: single nucleotide variant.
Coding change: c.959T>C on transcript NM_001384732.1 (MANE Select); coding-DNA position 959, T replaced by C.
Protein change: p.Ile320Thr; replaces isoleucine 320 with threonine.
Molecular consequence: missense variant.
Genome position (GRCh38, 1-based): chr5:37,231,029, A>G on the plus strand (T>C on the coding strand, the complement: CPLANE1 is on the minus strand). VCF-style: chr5-37231029-A-G. GRCh37 (hg19) VCF-style: chr5-37231131-A-G.
Other names: c.959T>C, p.Ile320Thr (NM_023073.4); short protein forms I320T.
Identifiers: ClinVar variation 353464 (VCV000353464.13), dbSNP rs886060584, ClinGen allele CA10620362.

ClinVar aggregate classification (germline): Conflicting classifications of pathogenicity. Review status: criteria provided, conflicting classifications (1 of 4 stars). 3 submissions from 3 submitters: Uncertain significance (2); Likely benign (1). Last evaluated 2025-12-13.

Conditions:
Joubert syndrome 17 (JBTS17). Identifiers: Orphanet 475, MedGen C3553264, MONDO:0013824, OMIM 614615.

Allele frequency attached by ClinVar (database versions not stated): gnomAD 0.00001; TOPMed 0.00006; gnomAD exomes 0.00013.
gnomAD v4.1: 25 of 1,544,326 alleles (0.0016%); highest among the groups gnomAD compares: Admixed American, 0.042%; no homozygotes.

Submissions (3):

Labcorp Genetics (formerly Invitae), Labcorp
Classification: Likely benign. Last evaluated: 2025-12-13. Review status: criteria provided, single submitter. Criteria: Invitae Variant Classification Sherloc (09022015). Collection method: clinical testing. Allele origin: germline.

GeneDx
Classification: Uncertain significance. Last evaluated: 2019-10-04. Review status: criteria provided, single submitter. Criteria: GeneDx Variant Classification Process June 2021. Collection method: clinical testing. Allele origin: germline. Affected: yes.
Comment: In silico analysis, which includes protein predictors and evolutionary conservation, supports a deleterious effect; Has not been previously published as pathogenic or benign to our knowledge

Illumina Laboratory Services, Illumina
Classification: Uncertain significance for Joubert syndrome 17. Last evaluated: 2018-01-12. Review status: criteria provided, single submitter. Criteria: ICSL Variant Classification Criteria 13 December 2019. Collection method: clinical testing. Allele origin: germline.